The following is an entry in ClinVar:

NM_004104.5(FASN):c.6412C>T (p.Arg2138Cys)

Gene: FASN (fatty acid synthase; minus strand). Cytogenetic location: 17q25.3.
Variant type: single nucleotide variant.
Coding change: c.6412C>T on transcript NM_004104.5 (MANE Select); coding-DNA position 6412, C replaced by T.
Protein change: p.Arg2138Cys; replaces arginine 2138 with cysteine.
Molecular consequence: missense variant.
Genome position (GRCh38, 1-based): chr17:82,081,347, G>A on the plus strand (C>T on the coding strand, the complement: FASN is on the minus strand). VCF-style: chr17-82081347-G-A. GRCh37 (hg19) VCF-style: chr17-80039223-G-A.
Other names: short protein forms R2138C.
Identifiers: ClinVar variation 1362031 (VCV001362031.8), dbSNP rs767876816, ClinGen allele CA8851291.
Genomic context (GRCh38, chr17:82,081,347, plus strand): 5'-TGAGCGAGTCCAGGCCCAGGTCCGCCAGTGAGCTGTCCAGGTTGACAGCAGCCAAGTCGC[G>A]GATGCCTGGAAGGGATGCGCCGGGTCGGCAACTCCAGAGGGGGCATGGGGACGGCCTGTA-3'
Protein context (NP_004095.4, residues 2128-2148): VEAVAHILGI[Arg2138Cys]DLAAVNLDSS

ClinVar aggregate classification (germline): Uncertain significance (1 of 4 stars; one submission).

Conditions:
Epileptic encephalopathy. Identifiers: MedGen C0543888, HP:0200134.

Allele frequency attached by ClinVar (database versions not stated): gnomAD exomes 0.00005 and 0.00007; TOPMed 0.00006; gnomAD 0.00007 and 0.00008.

Submission:

Labcorp Genetics (formerly Invitae), Labcorp
Classification: Uncertain significance for Epileptic encephalopathy. Last evaluated: 2024-06-03. Review status: criteria provided, single submitter. Criteria: Invitae Variant Classification Sherloc (09022015). Collection method: clinical testing. Allele origin: germline.
Comment: This sequence change replaces arginine, which is basic and polar, with cysteine, which is neutral and slightly polar, at codon 2138 of the FASN protein (p.Arg2138Cys). The frequency data for this variant in the population databases is considered unreliable, as metrics indicate poor data quality at this position in the gnomAD database. This variant has not been reported in the literature in individuals affected with FASN-related conditions. ClinVar contains an entry for this variant (Variation ID: 1362031). An algorithm developed to predict the effect of missense changes on protein structure and function (PolyPhen-2) suggests that this variant is likely to be disruptive. In summary, the available evidence is currently insufficient to determine the role of this variant in disease. Therefore, it has been classified as a Variant of Uncertain Significance.